The following is an entry in ClinVar:

ClinVar aggregate classification (germline): Likely benign (1 of 4 stars; one submission).

Allele frequency attached by ClinVar (database versions not stated): TOPMed 0.00064; 1000 Genomes Project 0.00080; ESP Exome Variant Server 0.00085; 1000 Genomes Project 30x 0.00094; gnomAD exomes 0.00163; gnomAD 0.00196; ExAC 0.00204.
gnomAD v4.1: 2,707 of 1,613,752 alleles (0.17%); highest among the groups gnomAD compares: Non-Finnish European, 0.12%; 14 homozygotes.

Submission:

CeGaT Center for Human Genetics Tuebingen
Classification: Likely benign. Last evaluated: 2022-10-01. Review status: criteria provided, single submitter. Criteria: CeGaT Center For Human Genetics Tuebingen Variant Classification Criteria Version 2. Collection method: clinical testing. Allele origin: germline. Affected: yes. Observed: 1 variant allele.
Comment: RPL3: BP4, BP7

NM_000967.4(RPL3):c.747C>T (p.Arg249=)

Gene: RPL3 (ribosomal protein L3; minus strand). Cytogenetic location: 22q13.1.
Variant type: single nucleotide variant.
Coding change: c.747C>T on transcript NM_000967.4 (MANE Select); coding-DNA position 747, C replaced by T.
Protein change: p.Arg249=; no amino-acid change (arginine 249 retained).
Molecular consequence: synonymous variant.
Genome position (GRCh38, 1-based): chr22:39,314,788, G>A on the plus strand (C>T on the coding strand, the complement: RPL3 is on the minus strand). VCF-style: chr22-39314788-G-A. GRCh37 (hg19) VCF-style: chr22-39710793-G-A.
Other names: c.600C>T, p.Arg200= (NM_001033853.2).
Identifiers: ClinVar variation 2653146 (VCV002653146.24), dbSNP rs2228648, ClinGen allele CA10240659.